The following is an entry in ClinVar:

ClinVar aggregate classification (germline): Pathogenic (1 of 4 stars; one submission).

Conditions:
Hereditary cancer-predisposing syndrome. Also called: Tumor predisposition; Neoplastic Syndromes, Hereditary; Hereditary Cancer Syndrome; Hereditary neoplastic syndrome. Identifiers: Orphanet 140162, MedGen C0027672, MeSH D009386, MONDO:0015356.

Submission:

Ambry Genetics
Classification: Pathogenic for Hereditary cancer-predisposing syndrome. Last evaluated: 2024-10-11. Review status: criteria provided, single submitter. Criteria: Ambry Variant Classification Scheme 2023. Collection method: clinical testing. Allele origin: germline.
Comment: The c.262delG pathogenic mutation, located in coding exon 2 of the BLM gene, results from a deletion of one nucleotide at nucleotide position 262, causing a translational frameshift with a predicted alternate stop codon (p.D88Tfs*41). This variant is considered to be rare based on population cohorts in the Genome Aggregation Database (gnomAD). This alteration is expected to result in loss of function by premature protein truncation or nonsense-mediated mRNA decay. As such, this alteration is interpreted as a disease-causing mutation.

NM_000057.4(BLM):c.262del (p.Asp88fs)

Gene: BLM (BLM RecQ like helicase; plus strand). Cytogenetic location: 15q26.1.
Variant type: Deletion.
Coding change: c.262del on transcript NM_000057.4 (MANE Select); coding-DNA position 262, one base deleted (G; older notation c.262delG).
Protein change: p.Asp88fs; shifts the reading frame from aspartic acid 88.
Molecular consequence: frameshift variant. On other transcripts: 5 prime UTR variant (1).
Genome position (GRCh38, 1-based): chr15:90,749,530, G deleted; the last of 2 consecutive G bases (chr15:90,749,529-90,749,530); deleting either gives the same sequence. VCF-style (leftmost placement, unchanged base first): chr15-90749528-AG-A. GRCh37 (hg19) VCF-style: chr15-91292758-AG-A.
Other names: c.262del, p.Asp88fs (NM_001287246.2, NM_001287247.2); c.-1030del (NM_001287248.2); short protein forms D88fs.
Identifiers: ClinVar variation 3480864 (VCV003480864.1).